The following is an entry in ClinVar:

ClinVar aggregate classification (germline): Uncertain significance (1 of 4 stars; one submission).

Allele frequency attached by ClinVar (database versions not stated): gnomAD exomes below 0.00001; TOPMed 0.00001.
gnomAD v4.1: 3 of 1,597,184 alleles (0.00019%); highest among the groups gnomAD compares: Admixed American, 0.0017%; no homozygotes.

Submission:

Labcorp Genetics (formerly Invitae), Labcorp
Classification: Uncertain significance. Last evaluated: 2023-03-27. Review status: criteria provided, single submitter. Criteria: Invitae Variant Classification Sherloc (09022015). Collection method: clinical testing. Allele origin: germline.
Comment: In summary, the available evidence is currently insufficient to determine the role of this variant in disease. Therefore, it has been classified as a Variant of Uncertain Significance. Advanced modeling of protein sequence and biophysical properties (such as structural, functional, and spatial information, amino acid conservation, physicochemical variation, residue mobility, and thermodynamic stability) performed at Invitae indicates that this missense variant is not expected to disrupt CACNA1B protein function. ClinVar contains an entry for this variant (Variation ID: 1906580). This variant has not been reported in the literature in individuals affected with CACNA1B-related conditions. This variant is present in population databases (rs201400398, gnomAD 0.006%). This sequence change replaces histidine, which is basic and polar, with aspartic acid, which is acidic and polar, at codon 1959 of the CACNA1B protein (p.His1959Asp).

NM_000718.4(CACNA1B):c.5875C>G (p.His1959Asp)

Gene: CACNA1B (calcium voltage-gated channel subunit alpha1 B; plus strand). Cytogenetic location: 9q34.3.
Variant type: single nucleotide variant.
Coding change: c.5875C>G on transcript NM_000718.4 (MANE Select); coding-DNA position 5875, C replaced by G.
Protein change: p.His1959Asp; replaces histidine 1959 with aspartic acid.
Molecular consequence: missense variant.
Genome position (GRCh38, 1-based): chr9:138,118,043, C>G. VCF-style: chr9-138118043-C-G. GRCh37 (hg19) VCF-style: chr9-141012495-C-G.
Other names: c.5875C>G, p.His1959Asp (NM_001243812.2); short protein forms H1959D.
Identifiers: ClinVar variation 1906580 (VCV001906580.3), dbSNP rs201400398, ClinGen allele CA201872172.
Genomic context (GRCh38, chr9:138,118,043, plus strand): 5'-TGGGGCACTCAAAGGACCCAGGATGCACCCCATGAGGCCAGGCCACCCCTGGAGCGTGGC[C>G]ACTCCACAGAGATCCCTGTGGGGCGGTCAGGAGCACTGGTGAGCACTCCCGGGGGCTAGT-3'
Protein context (NP_000709.1, residues 1949-1969): HEARPPLERG[His1959Asp]STEIPVGRSG